The following is an entry in ClinVar:

NM_012144.4(DNAI1):c.902-10T>A

Gene: DNAI1 (dynein axonemal intermediate chain 1; plus strand). Cytogenetic location: 9p13.3.
Variant type: single nucleotide variant.
Coding change: c.902-10T>A on transcript NM_012144.4 (MANE Select); 10 bases into the intron before coding-DNA position 902, T replaced by A.
Molecular consequence: intron variant.
Genome position (GRCh38, 1-based): chr9:34,500,712, T>A. VCF-style: chr9-34500712-T-A. GRCh37 (hg19) VCF-style: chr9-34500710-T-A.
Other names: c.914-10T>A (NM_001281428.2).
Identifiers: ClinVar variation 4823945 (VCV004823945.1).
Genomic context (GRCh38, chr9:34,500,712, plus strand): 5'-AGTAAGTGGTGGACCTGGGTTTGCCATAAAGCGGCAGTCCCAGGGCTGACTCTGCCTGTG[T>A]GTGTTTAAGATTTTAAGTACTATGACGATGCTGCTGATGAATACCGGGACCAGGTGGGTA-3'

ClinVar aggregate classification (germline): Likely pathogenic (1 of 4 stars; one submission).

Conditions:
Kartagener syndrome (CILD1). Also called: Dextrocardia bronchiectasis and sinusitis; SIEWERT SYNDROME; CILIARY DYSKINESIA, PRIMARY, 1; CILIARY DYSKINESIA, PRIMARY, 1, WITH OR WITHOUT SITUS INVERSUS; IMMOTILE CILIA SYNDROME; POLYNESIAN BRONCHIECTASIS. Identifiers: Orphanet 244, MedGen C4551906, MONDO:0009484, OMIM 244400.

Submission:

The Research Institute of Tuberculosis, Japan Anti-Tuberculosis Association
Classification: Likely pathogenic for Kartagener syndrome. Last evaluated: 2026-04-22. Review status: criteria provided, single submitter. Criteria: ACMG Guidelines, 2015. Collection method: research. Allele origin: germline. Inheritance: Autosomal recessive inheritance. Affected: yes.
Comment: Classification derived from Franklin (Genoox) summary and internal review. ACMG/AMP guidelines were applied for SNV/indel interpretation. Final classification: Likely pathogenic. Analysis of RNA transcripts from a nasal mucosal specimen demonstrated loss of normal splicing and generation of an aberrantly spliced transcript associated with this variant, predicted to disrupt gene function by a frameshift (PMID:39462806), supporting PS3. This variant is absent or present at extremely low frequency in population databases (gnomAD: exome 0; genome 0), supporting PM2. For this variant, computational prediction tools (dbscSNV Ada and SpliceAI) yielded an aggregated score of 0.8, indicating a deleterious effect, supporting PP3. Evidence (ACMG/AMP codes): PS3, PM2, PP3.

Literature cited by the submitters: PubMed 39462806.